The following is an entry in ClinVar:

ClinVar aggregate classification (germline): Conflicting classifications of pathogenicity. Review status: criteria provided, conflicting classifications (1 of 4 stars). 2 submissions from 2 submitters: Uncertain significance (1); Likely benign (1). Last evaluated 2026-08-27.

Conditions:
Hereditary cancer-predisposing syndrome. Also called: Hereditary Cancer Syndrome; Hereditary neoplastic syndrome; Neoplastic Syndromes, Hereditary; Tumor predisposition. Identifiers: Orphanet 140162, MedGen C0027672, MeSH D009386, MONDO:0015356.
Multiple endocrine neoplasia, type 2 (MEN2). Identifiers: Orphanet 653, MedGen C4048306, MONDO:0019003. Disease mechanism: gain of function.

Allele frequency attached by ClinVar (database versions not stated): gnomAD 0.00001; gnomAD exomes below 0.00001.
gnomAD v4.1: 2 of 1,602,356 alleles (0.00012%); highest among the groups gnomAD compares: Admixed American, 0.0034%; no homozygotes.

Submissions (2):

Ambry Genetics
Classification: Likely benign for Hereditary cancer-predisposing syndrome. Last evaluated: 2026-08-27. Review status: criteria provided, single submitter. Criteria: Ambry Variant Classification Scheme 2023. Collection method: clinical testing. Allele origin: germline.

Labcorp Genetics (formerly Invitae), Labcorp
Classification: Uncertain significance for Multiple endocrine neoplasia, type 2. Last evaluated: 2023-11-01. Review status: criteria provided, single submitter. Criteria: Invitae Variant Classification Sherloc (09022015). Collection method: clinical testing. Allele origin: germline.
Comment: This sequence change replaces glutamine, which is neutral and polar, with leucine, which is neutral and non-polar, at codon 233 of the RET protein (p.Gln233Leu). This variant is present in population databases (no rsID available, gnomAD 0.003%). This variant has not been reported in the literature in individuals affected with RET-related conditions. ClinVar contains an entry for this variant (Variation ID: 1756454). Algorithms developed to predict the effect of missense changes on protein structure and function output the following: SIFT: "Not Available"; PolyPhen-2: "Benign"; Align-GVGD: "Not Available". The leucine amino acid residue is found in multiple mammalian species, which suggests that this missense change does not adversely affect protein function. In summary, the available evidence is currently insufficient to determine the role of this variant in disease. Therefore, it has been classified as a Variant of Uncertain Significance.

NM_020975.6(RET):c.698A>T (p.Gln233Leu)

Gene: RET (ret proto-oncogene; plus strand). Cytogenetic location: 10q11.21.
Variant type: single nucleotide variant.
Coding change: c.698A>T on transcript NM_020975.6 (MANE Select); coding-DNA position 698, A replaced by T.
Protein change: p.Gln233Leu; replaces glutamine 233 with leucine.
Molecular consequence: missense variant.
Genome position (GRCh38, 1-based): chr10:43,105,024, A>T. VCF-style: chr10-43105024-A-T. GRCh37 (hg19) VCF-style: chr10-43600472-A-T.
Other names: c.698A>T, p.Gln233Leu (NM_000323.2, NM_001406743.1, NM_001406744.1 and 8 more transcripts); c.-65A>T (NM_001355216.2); c.569A>T, p.Gln190Leu (NM_001406761.1, NM_001406762.1, NM_001406764.1 and 2 more transcripts); c.410A>T, p.Gln137Leu (NM_001406766.1, NM_001406767.1, NM_001406770.1); short protein forms Q137L, Q190L, Q233L.
Identifiers: ClinVar variation 1756454 (VCV001756454.7), dbSNP rs1318202673, ClinGen allele CA376544599.
Genomic context (GRCh38, chr10:43,105,024, plus strand): 5'-CCTTCCGCTGCGCCCCGGACAGCCTGGAGGTGAGCACGCGCTGGGCCCTGGACCGCGAGC[A>T]GCGGGAGAAGTACGAGCTGGTGGCCGTGTGCACCGTGCACGCCGGCGCGCGCGAGGAGGT-3'
Protein context (NP_066124.1, residues 223-243): VSTRWALDRE[Gln233Leu]REKYELVAVC